The following is an entry in ClinVar:

NM_002863.5(PYGL):c.2042A>G (p.Lys681Arg)

Gene: PYGL (glycogen phosphorylase L; minus strand). Cytogenetic location: 14q22.1.
Variant type: single nucleotide variant.
Coding change: c.2042A>G on transcript NM_002863.5 (MANE Select); coding-DNA position 2042, A replaced by G.
Protein change: p.Lys681Arg; replaces lysine 681 with arginine.
Molecular consequence: missense variant.
Genome position (GRCh38, 1-based): chr14:50,910,030, T>C on the plus strand (A>G on the coding strand, the complement: PYGL is on the minus strand). VCF-style: chr14-50910030-T-C. GRCh37 (hg19) VCF-style: chr14-51376748-T-C.
Other names: c.1940A>G, p.Lys647Arg (NM_001163940.2); short protein forms K647R, K681R.
Identifiers: ClinVar variation 2819494 (VCV002819494.3), dbSNP rs113993987, ClinGen allele CA389682524.

ClinVar aggregate classification (germline): Uncertain significance (1 of 4 stars; one submission).

Conditions:
Glycogen storage disease, type VI (GSD6). Also called: Glycogen storage disease type 6, due to phosphorylation; GSD VI; Glycogen storage disease type 6; Hepatic glycogen phosphorylase deficiency; HERS DISEASE; PHOSPHORYLASE DEFICIENCY GLYCOGEN-STORAGE DISEASE OF LIVER. Identifiers: Orphanet 369, MedGen C0017925, MONDO:0009294, OMIM 232700.

Submission:

Labcorp Genetics (formerly Invitae), Labcorp
Classification: Uncertain significance for Glycogen storage disease, type VI. Last evaluated: 2023-01-04. Review status: criteria provided, single submitter. Criteria: Invitae Variant Classification Sherloc (09022015). Collection method: clinical testing. Allele origin: germline.
Comment: This variant is not present in population databases (gnomAD no frequency). This sequence change replaces lysine, which is basic and polar, with arginine, which is basic and polar, at codon 681 of the PYGL protein (p.Lys681Arg). This missense change has been observed in individual(s) with PYGL-related conditions (Invitae). In at least one individual the data is consistent with being in trans (on the opposite chromosome) from a pathogenic variant. In summary, the available evidence is currently insufficient to determine the role of this variant in disease. Therefore, it has been classified as a Variant of Uncertain Significance. This variant disrupts the p.Lys681 amino acid residue in PYGL. Other variant(s) that disrupt this residue have been observed in individuals with PYGL-related conditions (PMID: 17705025; Invitae), which suggests that this may be a clinically significant amino acid residue. Advanced modeling of protein sequence and biophysical properties (such as structural, functional, and spatial information, amino acid conservation, physicochemical variation, residue mobility, and thermodynamic stability) performed at Invitae indicates that this missense variant is expected to disrupt PYGL protein function.

Literature cited by the submitters: PubMed 17705025.